The following is an entry in ClinVar:

ClinVar aggregate classification (germline): Likely pathogenic (1 of 4 stars; one submission).

Conditions:
Arrhythmogenic cardiomyopathy with variable ectodermal abnormalities (ARCME). Identifiers: MedGen C5882696, MONDO:0957795, OMIM 620519.

Submission:

First Genomix Gene Laboratory, Genetic Diagnostics Department
Classification: Likely pathogenic for Arrhythmogenic cardiomyopathy with variable ectodermal abnormalities. Last evaluated: 2025-05-23. Review status: criteria provided, single submitter. Criteria: ACMG Guidelines, 2015. Collection method: clinical testing. Allele origin: germline. Inheritance: Autosomal recessive inheritance. Affected: no. Observed: 1 variant allele.

NM_006663.4(PPP1R13L):c.893dup (p.Thr299fs)

Gene: PPP1R13L (protein phosphatase 1 regulatory subunit 13 like; minus strand). Cytogenetic location: 19q13.32.
Variant type: Duplication.
Coding change: c.893dup on transcript NM_006663.4 (MANE Select); coding-DNA position 893, one base duplicated (G; older notation c.893dupG).
Protein change: p.Thr299fs; shifts the reading frame from threonine 299.
Molecular consequence: frameshift variant.
Genome position (GRCh38, 1-based): chr19:45,396,178, C duplicated on the plus strand (G on the coding strand, the reverse complement: PPP1R13L is on the minus strand); the first of 6 consecutive C bases (chr19:45,396,178-45,396,183); duplicating any one gives the same sequence. VCF-style (leftmost placement, unchanged base first): chr19-45396177-G-GC. GRCh37 (hg19) VCF-style: chr19-45899435-G-GC.
Other names: c.893dup, p.Thr299fs (NM_001142502.2); c.893dupG (NM_001142502.2); short protein forms T299fs.
Identifiers: ClinVar variation 4849470 (VCV004849470.1).